The following is an entry in ClinVar:

ClinVar aggregate classification (germline): Pathogenic. Review status: no assertion criteria provided (0 of 4 stars). 2 submissions from 2 submitters: Pathogenic (2). Last evaluated 2013-05-02.

Conditions:
Cardiac valvular dysplasia, X-linked (CVDPX). Also called: Isolated X-Linked Cardiac Valvular Dysplasia; Congenital valvular dysplasia; MYXOMATOUS VALVULAR DYSTROPHY, X-LINKED; FLNA-Related X-linked Cardiac Valvular Dysplasia; VALVULAR HEART DISEASE, CONGENITAL. Identifiers: Orphanet 1864, Orphanet 555877, Orphanet 75497, MedGen C0262436, MONDO:0010753, OMIM 314400.

Submissions (2):

GeneReviews
Classification: Pathogenic for Otopalatodigital Spectrum Disorders. Last evaluated: 2013-05-02. Review status: no assertion criteria provided. Collection method: curation. Allele origin: unknown.
ClinVar note: Converted during submission from pathologic to Pathogenic.

OMIM
Classification: Pathogenic for CARDIAC VALVULAR DYSPLASIA, X-LINKED. Last evaluated: 2007-01-02. Review status: no assertion criteria provided. Collection method: literature only. Allele origin: germline.

Literature cited by the submitters: PubMed 17190868 (cited by OMIM).

NM_001110556.2(FLNA):c.2280+266_2827-25delinsTG

Gene: FLNA (filamin A; minus strand). Cytogenetic location: Xq28.
Variant type: Indel.
Coding change: c.2280+266_2827-25delinsTG on transcript NM_001110556.2 (MANE Select); 266 bases into the intron after coding-DNA position 2280 through 25 bases into the intron before coding-DNA position 2827, the reference bases replaced by TG.
Molecular consequence: splice acceptor variant, splice donor variant.
Genome position (GRCh38, 1-based): chrX:154,361,812-154,363,756, 1,945 bases replaced. GRCh37 (hg19): chrX:153,590,180-153,592,124.
Other names: c.2280+266_2827-25delinsTG (NM_001456.4).
Identifiers: ClinVar variation 11779 (VCV000011779.4), ClinGen allele CA341137.